The following is an entry in ClinVar:

ClinVar aggregate classification (germline): Conflicting classifications of pathogenicity. Review status: criteria provided, conflicting classifications (1 of 4 stars). 7 submissions from 7 submitters: Uncertain significance (1); Benign (1); Likely benign (2). 3 of the submissions do not count toward it. Last evaluated 2026-01-21.

Conditions:
Familial dysautonomia. Also called: FD; HSAN III. Identifiers: Orphanet 1764, MedGen C0013364, MONDO:0009131, OMIM 223900. Disease mechanism: loss of function.
ELP1-related disorder. Also called: ELP1-related condition.

Allele frequency attached by ClinVar (database versions not stated): gnomAD 0.00013 and 0.00027; TOPMed 0.00013; ESP Exome Variant Server 0.00015; gnomAD exomes 0.00031 and 0.00052; 1000 Genomes Project 0.00040; ExAC 0.00055; 1000 Genomes Project 30x 0.00062.
gnomAD v4.1: 503 of 1,612,364 alleles (0.031%); highest among the groups gnomAD compares: South Asian, 0.32%; 3 homozygotes.

Submissions (7):

Labcorp Genetics (formerly Invitae), Labcorp
Classification: Benign. Last evaluated: 2026-01-21. Review status: criteria provided, single submitter. Criteria: Invitae Variant Classification Sherloc (09022015). Collection method: clinical testing. Allele origin: germline.

Blueprint Genetics
Classification: Likely benign. Last evaluated: 2024-09-18. Review status: criteria provided, single submitter. Criteria: ACMG Guidelines, 2015. Collection method: clinical testing. Allele origin: germline.

Illumina Laboratory Services, Illumina
Classification: Uncertain significance for Familial dysautonomia. Last evaluated: 2018-01-12. Review status: criteria provided, single submitter. Criteria: ICSL Variant Classification Criteria 13 December 2019. Collection method: clinical testing. Allele origin: germline.

GeneDx
Classification: Likely benign. Last evaluated: 2016-06-10. Review status: criteria provided, single submitter. Criteria: GeneDx Variant Classification (06012015). Collection method: clinical testing. Allele origin: germline. Affected: yes.
Comment: This variant is considered likely benign or benign based on one or more of the following criteria: it is a conservative change, it occurs at a poorly conserved position in the protein, it is predicted to be benign by multiple in silico algorithms, and/or has population frequency not consistent with disease.

PreventionGenetics, part of Exact Sciences
Classification: Likely benign for ELP1-related condition. Last evaluated: 2022-05-11. Review status: no assertion criteria provided. Collection method: clinical testing. Allele origin: germline. Not counted in ClinVar's aggregate classification.
Comment: This variant is classified as likely benign based on ACMG/AMP sequence variant interpretation guidelines (Richards et al. 2015 PMID: 25741868, with internal and published modifications).

Clinical Genetics, Academic Medical Center
Classification: Likely benign. Review status: no assertion criteria provided. Collection method: clinical testing. Allele origin: germline. Affected: yes. Study: VKGL Data-share Consensus. Not counted in ClinVar's aggregate classification.

Genome Diagnostics Laboratory, University Medical Center Utrecht
Classification: Likely benign. Review status: no assertion criteria provided. Collection method: clinical testing. Allele origin: germline. Affected: yes. Study: VKGL Data-share Consensus. Not counted in ClinVar's aggregate classification.

NM_003640.5(ELP1):c.3222+14C>T

Gene: ELP1 (elongator acetyltransferase complex subunit 1; minus strand). Cytogenetic location: 9q31.3.
Variant type: single nucleotide variant.
Coding change: c.3222+14C>T on transcript NM_003640.5 (MANE Select); 14 bases into the intron after coding-DNA position 3222, C replaced by T.
Molecular consequence: intron variant.
Genome position (GRCh38, 1-based): chr9:108,889,318, G>A on the plus strand (C>T on the coding strand, the complement: ELP1 is on the minus strand). VCF-style: chr9-108889318-G-A. GRCh37 (hg19) VCF-style: chr9-111651598-G-A.
Other names: c.2880+14C>T (NM_001318360.2); c.2175+14C>T (NM_001330749.2); c.3222+14C>T (LRG_251t1, NM_003640.4).
Identifiers: ClinVar variation 364562 (VCV000364562.17), dbSNP rs374787755, ClinGen allele CA5174381.
Genomic context (GRCh38, chr9:108,889,318, plus strand): 5'-CATGATCACTAAGATACAATTGAGAAGACCTTTCTTGCTGACTGGGGGGTTTAGAAGGGA[G>A]GAATTGAGTTTACCTGGGCACACTCTTCCAAAACCATGGCCGCATCAATGTGCTTCCTCT-3'